The following is an entry in ClinVar:

NM_001384732.1(CPLANE1):c.8568_8569del (p.Phe2857fs)

Gene: CPLANE1 (ciliogenesis and planar polarity effector complex subunit 1; minus strand). Cytogenetic location: 5p13.2.
Variant type: Microsatellite.
Coding change: c.8568_8569del on transcript NM_001384732.1 (MANE Select); coding-DNA positions 8568 to 8569, 2 bases deleted (GT; older notation c.8568_8569delGT).
Protein change: p.Phe2857fs; shifts the reading frame from phenylalanine 2857.
Molecular consequence: frameshift variant.
Genome position (GRCh38, 1-based): chr5:37,142,373-37,142,374, AC deleted on the plus strand (GT on the coding strand, the reverse complement: CPLANE1 is on the minus strand); deleting any 2 consecutive bases within chr5:37,142,373-37,142,379 gives the same sequence; the c. name uses the placement nearest the transcript's 3' end. VCF-style (leftmost placement, unchanged base first): chr5-37142372-AAC-A. GRCh37 (hg19) VCF-style: chr5-37142474-AAC-A.
Other names: c.8406_8407del, p.Phe2803fs (NM_023073.4); short protein forms F2803fs, F2857fs.
Identifiers: ClinVar variation 1458989 (VCV001458989.8), dbSNP rs753008073, ClinGen allele CA3237749.
Genomic context (GRCh38, chr5:37,142,372, plus strand): 5'-GGAGAAGTAGTATTCTGATCACTGGAACTGGAAAGGCTGACAGCTGAATCGGCAGTAGGA[AAC>A]ACACAGGTTTTCTGACCAGAATAATTTTCTGTTATTGAAAATTCAGGTTCTGAAGTCTCC-3'

ClinVar aggregate classification (germline): Pathogenic (1 of 4 stars; one submission).

Submission:

Labcorp Genetics (formerly Invitae), Labcorp
Classification: Pathogenic. Last evaluated: 2023-06-25. Review status: criteria provided, single submitter. Criteria: Invitae Variant Classification Sherloc (09022015). Collection method: clinical testing. Allele origin: germline.
Comment: For these reasons, this variant has been classified as Pathogenic. This variant is also known as p.Phe2803Serfs*13. This premature translational stop signal has been observed in individual(s) with Joubert syndrome (PMID: 25407461). This variant is present in population databases (rs753008073, gnomAD 0.0009%). This sequence change creates a premature translational stop signal (p.Phe2803Serfs*14) in the CPLANE1 gene. It is expected to result in an absent or disrupted protein product. Loss-of-function variants in CPLANE1 are known to be pathogenic (PMID: 24178751, 26092869).

Literature cited by the submitters: PubMed 25407461; PubMed 24178751; PubMed 26092869.